The following is an entry in ClinVar:

ClinVar aggregate classification (germline): Uncertain significance (1 of 4 stars; one submission).

Submission:

Ambry Genetics
Classification: Uncertain significance. Last evaluated: 2026-07-19. Review status: criteria provided, single submitter. Criteria: Ambry Variant Classification Scheme 2023. Collection method: clinical testing. Allele origin: germline.
Comment: The p.P481A variant (also known as c.1441C>G), located in coding exon 13 of the GEN1 gene, results from a C to G substitution at nucleotide position 1441. The proline at codon 481 is replaced by alanine, an amino acid with highly similar properties. This amino acid position is conserved. In addition, this alteration is predicted to be tolerated by in silico analysis. Based on the available evidence, the clinical significance of this variant remains unclear.

NM_001130009.3(GEN1):c.1441C>G (p.Pro481Ala)

Gene: GEN1 (GEN1 structure-specific endonuclease; plus strand). Cytogenetic location: 2p24.2.
Variant type: single nucleotide variant.
Coding change: c.1441C>G on transcript NM_001130009.3 (MANE Select); coding-DNA position 1441, C replaced by G.
Protein change: p.Pro481Ala; replaces proline 481 with alanine.
Molecular consequence: missense variant.
Genome position (GRCh38, 1-based): chr2:17,780,653, C>G. VCF-style: chr2-17780653-C-G. GRCh37 (hg19) VCF-style: chr2-17961920-C-G.
Other names: c.1441C>G, p.Pro481Ala (NM_182625.5); short protein forms P481A.
Identifiers: ClinVar variation 5022304 (VCV005022304.1).